The following is an entry in ClinVar:

ClinVar aggregate classification (germline): Uncertain significance (1 of 4 stars; one submission).

Conditions:
Cardiovascular phenotype. Identifiers: MedGen CN230736.

Submission:

Ambry Genetics
Classification: Uncertain significance for Cardiovascular phenotype. Last evaluated: 2025-04-09. Review status: criteria provided, single submitter. Criteria: Ambry Variant Classification Scheme 2023. Collection method: clinical testing. Allele origin: germline.
Comment: The p.K895N variant (also known as c.2685G>C), located in coding exon 18 of the FLNC gene, results from a G to C substitution at nucleotide position 2685. The lysine at codon 895 is replaced by asparagine, an amino acid with similar properties. This amino acid position is highly conserved in available vertebrate species. In addition, the in silico prediction for this alteration is inconclusive. Based on the available evidence, the clinical significance of this variant remains unclear.

NM_001458.5(FLNC):c.2685G>C (p.Lys895Asn)

Gene: FLNC (filamin C; plus strand). Cytogenetic location: 7q32.1.
Variant type: single nucleotide variant.
Coding change: c.2685G>C on transcript NM_001458.5 (MANE Select); coding-DNA position 2685, G replaced by C.
Protein change: p.Lys895Asn; replaces lysine 895 with asparagine.
Molecular consequence: missense variant.
Genome position (GRCh38, 1-based): chr7:128,843,451, G>C. VCF-style: chr7-128843451-G-C. GRCh37 (hg19) VCF-style: chr7-128483505-G-C.
Other names: c.2685G>C, p.Lys895Asn (NM_001127487.2); short protein forms K895N.
Identifiers: ClinVar variation 4025601 (VCV004025601.1).
Genomic context (GRCh38, chr7:128,843,451, plus strand): 5'-TCTGGGTGGGTCCTCAGGTGTGGAAGTCGGGAAGCCCACCCACTTCACGGTGCTGACCAA[G>C]GGAGCCGGCAAGGCCAAGCTGGATGTGCAGTTTGCAGGGACAGCCAAGGGCGAGGTTGTG-3'
Protein context (NP_001449.3, residues 885-905): GKPTHFTVLT[Lys895Asn]GAGKAKLDVQ